The following is an entry in ClinVar:

ClinVar aggregate classification (germline): Uncertain significance. Review status: criteria provided, multiple submitters, no conflicts (2 of 4 stars). 2 submissions from 2 submitters: Uncertain significance (2). Last evaluated 2023-07-01.

Allele frequency attached by ClinVar (database versions not stated): TOPMed 0.00004; ESP Exome Variant Server 0.00008; ExAC 0.00002; gnomAD 0.00003 and 0.00004; gnomAD exomes 0.00003.

Submissions (2):

CeGaT Center for Human Genetics Tuebingen
Classification: Uncertain significance. Last evaluated: 2023-07-01. Review status: criteria provided, single submitter. Criteria: CeGaT Center For Human Genetics Tuebingen Variant Classification Criteria Version 2. Collection method: clinical testing. Allele origin: germline. Affected: yes. Observed: 1 variant allele.

Labcorp Genetics (formerly Invitae), Labcorp
Classification: Uncertain significance. Last evaluated: 2022-11-01. Review status: criteria provided, single submitter. Criteria: Invitae Variant Classification Sherloc (09022015). Collection method: clinical testing. Allele origin: germline.
Comment: This sequence change replaces arginine, which is basic and polar, with histidine, which is basic and polar, at codon 196 of the CAD protein (p.Arg196His). This variant is present in population databases (rs144305066, gnomAD 0.01%). This variant has not been reported in the literature in individuals affected with CAD-related conditions. ClinVar contains an entry for this variant (Variation ID: 1421883). Advanced modeling of protein sequence and biophysical properties (such as structural, functional, and spatial information, amino acid conservation, physicochemical variation, residue mobility, and thermodynamic stability) performed at Invitae indicates that this missense variant is not expected to disrupt CAD protein function. In summary, the available evidence is currently insufficient to determine the role of this variant in disease. Therefore, it has been classified as a Variant of Uncertain Significance.

NM_004341.5(CAD):c.587G>A (p.Arg196His)

Gene: CAD (carbamoyl-phosphate synthetase 2, aspartate transcarbamylase, and dihydroorotase; plus strand). Cytogenetic location: 2p23.3.
Variant type: single nucleotide variant.
Coding change: c.587G>A on transcript NM_004341.5 (MANE Select); coding-DNA position 587, G replaced by A.
Protein change: p.Arg196His; replaces arginine 196 with histidine.
Molecular consequence: missense variant.
Genome position (GRCh38, 1-based): chr2:27,222,610, G>A. VCF-style: chr2-27222610-G-A. GRCh37 (hg19) VCF-style: chr2-27445478-G-A.
Other names: c.587G>A, p.Arg196His (NM_001306079.2); short protein forms R196H.
Identifiers: ClinVar variation 1421883 (VCV001421883.27), dbSNP rs144305066, ClinGen allele CA1572465.